The following is an entry in ClinVar:

NM_018960.6(GNMT):c.538T>C (p.Tyr180His)

Genes: CNPY3-GNMT (CNPY3-GNMT readthrough; plus strand), GNMT (glycine N-methyltransferase; plus strand). Cytogenetic location: 6p21.1.
Variant type: single nucleotide variant.
Coding change: c.538T>C on transcript NM_018960.6 (MANE Select); coding-DNA position 538, T replaced by C.
Protein change: p.Tyr180His; replaces tyrosine 180 with histidine.
Molecular consequence: missense variant. On other transcripts: intron variant (1).
Genome position (GRCh38, 1-based): chr6:42,963,158, T>C. VCF-style: chr6-42963158-T-C. GRCh37 (hg19) VCF-style: chr6-42930896-T-C.
Other names: c.340T>C, p.Tyr114His (NM_001318856.2); c.355T>C, p.Tyr119His (NM_001318857.2); c.481T>C, p.Tyr161His (NM_001318865.2); c.269-22T>C (NM_001318858.2); short protein forms Y180H, Y114H, Y161H, Y119H.
Identifiers: ClinVar variation 1361570 (VCV001361570.6), dbSNP rs2114230841, ClinGen allele CA364146625.
Genomic context (GRCh38, chr6:42,963,158, plus strand): 5'-CTGAAAAACATTGCGAGCATGGTGCGGGCAGGGGGCCTACTGGTCATTGATCATCGCAAC[T>C]ACGACCACATCCTCAGTACAGGCTGTGCACCCCCAGGGAAGAACATCTACTATAAGGTGG-3'
Protein context (NP_061833.1, residues 170-190): GGLLVIDHRN[Tyr180His]DHILSTGCAP

ClinVar aggregate classification (germline): Uncertain significance (1 of 4 stars; one submission).

Submission:

Labcorp Genetics (formerly Invitae), Labcorp
Classification: Uncertain significance. Last evaluated: 2021-04-02. Review status: criteria provided, single submitter. Criteria: Invitae Variant Classification Sherloc (09022015). Collection method: clinical testing. Allele origin: germline.
Comment: This sequence change replaces tyrosine with histidine at codon 180 of the GNMT protein (p.Tyr180His). The tyrosine residue is highly conserved and there is a moderate physicochemical difference between tyrosine and histidine. This variant is not present in population databases (ExAC no frequency). In summary, the available evidence is currently insufficient to determine the role of this variant in disease. Therefore, it has been classified as a Variant of Uncertain Significance. Algorithms developed to predict the effect of missense changes on protein structure and function are either unavailable or do not agree on the potential impact of this missense change (SIFT: "Not Available"; PolyPhen-2: "Probably Damaging"; Align-GVGD: "Not Available"). This variant has not been reported in the literature in individuals with GNMT-related conditions.